The following is an entry in ClinVar:

ClinVar aggregate classification (germline): Uncertain significance. Review status: criteria provided, multiple submitters, no conflicts (2 of 4 stars). 3 submissions from 3 submitters: Uncertain significance (3). Last evaluated 2026-04-01.

Conditions:
Inborn genetic diseases. Identifiers: MedGen C0950123, MeSH D030342.

Allele frequency attached by ClinVar (database versions not stated): ESP Exome Variant Server 0.00008; gnomAD 0.00006; TOPMed 0.00008.
gnomAD v4.1: 16 of 1,612,628 alleles (0.00099%); highest among the groups gnomAD compares: African/African-American, 0.02%; no homozygotes.

Submissions (3):

GeneDx
Classification: Uncertain significance. Last evaluated: 2026-04-01. Review status: criteria provided, single submitter. Criteria: GeneDx Variant Classification Process June 2021. Collection method: clinical testing. Allele origin: germline.
Comment: In silico analysis supports that this missense variant has a deleterious effect on protein structure/function; Has not been previously published as pathogenic or benign to our knowledge

Ambry Genetics
Classification: Uncertain significance for Inborn genetic diseases. Last evaluated: 2025-08-13. Review status: criteria provided, single submitter. Criteria: Ambry Variant Classification Scheme 2023. Collection method: clinical testing. Allele origin: germline.

Labcorp Genetics (formerly Invitae), Labcorp
Classification: Uncertain significance. Last evaluated: 2022-08-05. Review status: criteria provided, single submitter. Criteria: Invitae Variant Classification Sherloc (09022015). Collection method: clinical testing. Allele origin: germline.
Comment: This variant has not been reported in the literature in individuals affected with TNNT3-related conditions. This variant is present in population databases (rs377446757, gnomAD 0.04%). This sequence change replaces alanine, which is neutral and non-polar, with glutamic acid, which is acidic and polar, at codon 101 of the TNNT3 protein (p.Ala101Glu). Algorithms developed to predict the effect of missense changes on protein structure and function are either unavailable or do not agree on the potential impact of this missense change (SIFT: "Deleterious"; PolyPhen-2: "Probably Damaging"; Align-GVGD: "Class C0"). In summary, the available evidence is currently insufficient to determine the role of this variant in disease. Therefore, it has been classified as a Variant of Uncertain Significance.

NM_006757.4(TNNT3):c.302C>A (p.Ala101Glu)

Gene: TNNT3 (troponin T3, fast skeletal type; plus strand). Cytogenetic location: 11p15.5.
Variant type: single nucleotide variant.
Coding change: c.302C>A on transcript NM_006757.4 (MANE Select); coding-DNA position 302, C replaced by A.
Protein change: p.Ala101Glu; replaces alanine 101 with glutamic acid.
Molecular consequence: missense variant.
Genome position (GRCh38, 1-based): chr11:1,933,944, C>A. VCF-style: chr11-1933944-C-A. GRCh37 (hg19) VCF-style: chr11-1955174-C-A.
Other names: c.278C>A, p.Ala93Glu (NM_001042780.3, NM_001042782.3, NM_001297646.2 and 2 more transcripts); c.296C>A, p.Ala99Glu (NM_001042781.3, NM_001367842.1, NM_001367843.1); c.311C>A, p.Ala104Glu (NM_001363561.2, NM_001367847.1); c.335C>A, p.Ala112Glu (NM_001367846.1); c.299C>A, p.Ala100Glu (NM_001367848.1); c.290C>A, p.Ala97Glu (NM_001367849.1); c.245C>A, p.Ala82Glu (NM_001367850.1); c.98C>A, p.Ala33Glu (NM_001367851.1, NM_001367852.1); and 1 more; short protein forms A100E, A97E, A101E, A104E, A112E, A33E, A99E, A82E.
Identifiers: ClinVar variation 2196818 (VCV002196818.6), dbSNP rs377446757, ClinGen allele CA5816432.